The following is an entry in ClinVar:

NM_006393.3(NEBL):c.1776+18C>G

Gene: NEBL (nebulette; minus strand). Cytogenetic location: 10p12.31.
Variant type: single nucleotide variant.
Coding change: c.1776+18C>G on transcript NM_006393.3 (MANE Select); 18 bases into the intron after coding-DNA position 1776, C replaced by G.
Molecular consequence: intron variant.
Genome position (GRCh38, 1-based): chr10:20,828,512, G>C on the plus strand (C>G on the coding strand, the complement: NEBL is on the minus strand). VCF-style: chr10-20828512-G-C. GRCh37 (hg19) VCF-style: chr10-21117441-G-C.
Other names: c.250-15572C>G (NM_001377326.1, NM_001377327.1, NM_001377328.1); c.358-15572C>G (NM_213569.2, NM_001173484.2, NM_001377322.1); c.301-15572C>G (NM_001377324.1); c.292-15572C>G (NM_001377325.1); c.310-15572C>G (NM_001377323.1).
Identifiers: ClinVar variation 390452 (VCV000390452.9), dbSNP rs373474665, ClinGen allele CA5432751.

ClinVar aggregate classification (germline): Likely benign. Review status: criteria provided, multiple submitters, no conflicts (2 of 4 stars). 2 submissions from 2 submitters: Likely benign (2). Last evaluated 2024-10-22.

Conditions:
Primary dilated cardiomyopathy (DCM). Also called: Dilated Cardiomyopathy. Identifiers: Orphanet 217604, MedGen C0007193, MeSH D002311, MONDO:0005021, HP:0001644. Inheritance: Various modes of inheritance.

Allele frequency attached by ClinVar (database versions not stated): gnomAD exomes below 0.00001 and 0.00001; ExAC 0.00002; gnomAD 0.00003; TOPMed 0.00004; ESP Exome Variant Server 0.00008.
gnomAD v4.1: 10 of 1,503,448 alleles (0.00067%); highest among the groups gnomAD compares: African/African-American, 0.0083%; no homozygotes.

Submissions (2):

Labcorp Genetics (formerly Invitae), Labcorp
Classification: Likely benign for Primary dilated cardiomyopathy. Last evaluated: 2024-10-22. Review status: criteria provided, single submitter. Criteria: Invitae Variant Classification Sherloc (09022015). Collection method: clinical testing. Allele origin: germline.

GeneDx
Classification: Likely benign. Last evaluated: 2016-11-03. Review status: criteria provided, single submitter. Criteria: GeneDx Variant Classification (06012015). Collection method: clinical testing. Allele origin: germline. Affected: yes.
Comment: This variant is considered likely benign or benign based on one or more of the following criteria: it is a conservative change, it occurs at a poorly conserved position in the protein, it is predicted to be benign by multiple in silico algorithms, and/or has population frequency not consistent with disease.